The following is an entry in ClinVar:

NM_000426.4(LAMA2):c.5624A>G (p.Asp1875Gly)

Gene: LAMA2 (laminin subunit alpha 2; plus strand). Cytogenetic location: 6q22.33.
Variant type: single nucleotide variant.
Coding change: c.5624A>G on transcript NM_000426.4 (MANE Select); coding-DNA position 5624, A replaced by G.
Protein change: p.Asp1875Gly; replaces aspartic acid 1875 with glycine.
Molecular consequence: missense variant.
Genome position (GRCh38, 1-based): chr6:129,402,385, A>G. VCF-style: chr6-129402385-A-G. GRCh37 (hg19) VCF-style: chr6-129723530-A-G.
Other names: c.5624A>G, p.Asp1875Gly (NM_001079823.2); short protein forms D1875G.
Identifiers: ClinVar variation 952432 (VCV000952432.4), dbSNP rs1780030338, ClinGen allele CA365616242.

ClinVar aggregate classification (germline): Uncertain significance (1 of 4 stars; one submission).

Conditions:
LAMA2-related muscular dystrophy (LAMA2-RD). Also called: Laminin alpha 2-related dystrophy. Identifiers: MedGen C5679788, MONDO:0100228.

Submission:

Labcorp Genetics (formerly Invitae), Labcorp
Classification: Uncertain significance for LAMA2-related muscular dystrophy. Last evaluated: 2021-10-11. Review status: criteria provided, single submitter. Criteria: Invitae Variant Classification Sherloc (09022015). Collection method: clinical testing. Allele origin: germline.
Comment: This sequence change replaces aspartic acid with glycine at codon 1875 of the LAMA2 protein (p.Asp1875Gly). The aspartic acid residue is moderately conserved and there is a moderate physicochemical difference between aspartic acid and glycine. This variant is not present in population databases (ExAC no frequency). This variant has not been reported in the literature in individuals affected with LAMA2-related conditions. Algorithms developed to predict the effect of missense changes on protein structure and function (SIFT, PolyPhen-2, Align-GVGD) all suggest that this variant is likely to be tolerated. Algorithms developed to predict the effect of sequence changes on RNA splicing suggest that this variant may create or strengthen a splice site. In summary, the available evidence is currently insufficient to determine the role of this variant in disease. Therefore, it has been classified as a Variant of Uncertain Significance.